The following is an entry in ClinVar:

ClinVar aggregate classification (germline): Uncertain significance (1 of 4 stars; one submission).

Conditions:
Fanconi anemia (FA). Also called: Fanconi's anemia. Identifiers: Orphanet 84, MedGen C0015625, MeSH D005199, MONDO:0019391.

Submission:

Labcorp Genetics (formerly Invitae), Labcorp
Classification: Uncertain significance for Fanconi anemia. Last evaluated: 2022-06-05. Review status: criteria provided, single submitter. Criteria: Invitae Variant Classification Sherloc (09022015). Collection method: clinical testing. Allele origin: germline.
Comment: This variant is not present in population databases (gnomAD no frequency). This sequence change replaces proline, which is neutral and non-polar, with threonine, which is neutral and polar, at codon 455 of the FANCI protein (p.Pro455Thr). This variant has not been reported in the literature in individuals affected with FANCI-related conditions. ClinVar contains an entry for this variant (Variation ID: 1419058). Algorithms developed to predict the effect of missense changes on protein structure and function are either unavailable or do not agree on the potential impact of this missense change (SIFT: "Deleterious"; PolyPhen-2: "Benign"; Align-GVGD: "Class C0"). In summary, the available evidence is currently insufficient to determine the role of this variant in disease. Therefore, it has been classified as a Variant of Uncertain Significance.

NM_001113378.2(FANCI):c.1363C>A (p.Pro455Thr)

Gene: FANCI (FA complementation group I; plus strand). Cytogenetic location: 15q26.1.
Variant type: single nucleotide variant.
Coding change: c.1363C>A on transcript NM_001113378.2 (MANE Select); coding-DNA position 1363, C replaced by A.
Protein change: p.Pro455Thr; replaces proline 455 with threonine.
Molecular consequence: missense variant.
Genome position (GRCh38, 1-based): chr15:89,278,756, C>A. VCF-style: chr15-89278756-C-A. GRCh37 (hg19) VCF-style: chr15-89821987-C-A.
Other names: c.1084C>A, p.Pro362Thr (NM_001376910.1); c.1363C>A, p.Pro455Thr (NM_001376911.1, NM_018193.3); short protein forms P362T, P455T.
Identifiers: ClinVar variation 1419058 (VCV001419058.6), dbSNP rs2151511659, ClinGen allele CA393743326.